The following is an entry in ClinVar:

NM_000037.4(ANK1):c.2956del (p.Phe985_Leu986insTer)

Gene: ANK1 (ankyrin 1; minus strand). Cytogenetic location: 8p11.21.
Variant type: Deletion.
Coding change: c.2956del on transcript NM_000037.4 (MANE Select); coding-DNA position 2956, one base deleted (C; older notation c.2956delC).
Protein change: p.Phe985_Leu986insTer.
Molecular consequence: nonsense.
Genome position (GRCh38, 1-based): chr8:41,696,367, G deleted on the plus strand (C on the coding strand, the reverse complement: ANK1 is on the minus strand); the first of 2 consecutive G bases (chr8:41,696,367-41,696,368); deleting either gives the same sequence. VCF-style (leftmost placement, unchanged base first): chr8-41696366-AG-A. GRCh37 (hg19) VCF-style: chr8-41553884-AG-A.
Other names: p.Leu986*; c.3079del, p.Phe1026_Leu1027insTer (NM_001142446.2); c.2956del, p.Phe985_Leu986insTer (NM_020475.3, NM_020476.3, NM_020477.3).
Identifiers: ClinVar variation 3381037 (VCV003381037.1).
Genomic context (GRCh38, chr8:41,696,366, plus strand): 5'-GCGTGGCCTCCGTGGCACAGGGACAGGGGAGAACACGGGCTGCCCGCGCAAGCTCACCTC[AG>A]GAACTGTGCCCCCGTGGGCCCCAGTGCTATGATCCTGCTGGCCAGGCCCTCCTCCTCGGC-3'

ClinVar aggregate classification (germline): Likely pathogenic (1 of 4 stars; one submission).

Submission:

Mayo Clinic Laboratories, Mayo Clinic
Classification: Likely pathogenic. Last evaluated: 2023-06-27. Review status: criteria provided, single submitter. Criteria: ACMG Guidelines, 2015. Collection method: clinical testing. Allele origin: germline. Observed: 1 variant allele.
Comment: PM2_moderate, PVS1